The following is an entry in ClinVar:

ClinVar aggregate classification (germline): Likely benign. Review status: criteria provided, multiple submitters, no conflicts (2 of 4 stars). 2 submissions from 2 submitters: Likely benign (2). Last evaluated 2024-12-02.

Conditions:
Maturity-onset diabetes of the young type 11. Identifiers: Orphanet 552, MedGen C3150618, MONDO:0013242, OMIM 613375.

Allele frequency attached by ClinVar (database versions not stated): gnomAD exomes 0.00001 and 0.00004; ExAC 0.00004; gnomAD 0.00010 and 0.00015; ESP Exome Variant Server 0.00015; 1000 Genomes Project 30x 0.00016; 1000 Genomes Project 0.00020.
gnomAD v4.1: 42 of 1,613,878 alleles (0.0026%); highest among the groups gnomAD compares: African/African-American, 0.04%; no homozygotes.

Submissions (2):

Labcorp Genetics (formerly Invitae), Labcorp
Classification: Likely benign. Last evaluated: 2024-12-02. Review status: criteria provided, single submitter. Criteria: Invitae Variant Classification Sherloc (09022015). Collection method: clinical testing. Allele origin: germline.

Illumina Laboratory Services, Illumina
Classification: Likely benign for Maturity-onset diabetes of the young type 11. Last evaluated: 2018-01-12. Review status: criteria provided, single submitter. Criteria: ICSL Variant Classification Criteria 13 December 2019. Collection method: clinical testing. Allele origin: germline.
Comment: This variant was observed in the ICSL laboratory as part of a predisposition screen in an ostensibly healthy population. It had not been previously curated by ICSL or reported in the Human Gene Mutation Database (HGMD: prior to June 1st, 2018), and was therefore a candidate for classification through an automated scoring system. Utilizing variant allele frequency, disease prevalence and penetrance estimates, and inheritance mode, an automated score was calculated to assess if this variant is too frequent to cause the disease. Based on the score and internal cut-off values, a variant classified as likely benign is not then subjected to further curation. The score for this variant resulted in a classification of likely benign for this disease.

NM_001715.3(BLK):c.18C>T (p.Ser6=)

Gene: BLK (BLK proto-oncogene, Src family tyrosine kinase). Cytogenetic location: 8p23.1.
Variant type: single nucleotide variant.
Coding change: c.18C>T on transcript NM_001715.3 (MANE Select); coding-DNA position 18, C replaced by T.
Protein change: p.Ser6=; no amino-acid change (serine 6 retained).
Molecular consequence: synonymous variant. On other transcripts: intron variant (1).
Genome position (GRCh38, 1-based): chr8:11,543,242, C>T. VCF-style: chr8-11543242-C-T. GRCh37 (hg19) VCF-style: chr8-11400751-C-T.
Other names: c.-90-2810C>T (NM_001330465.2).
Identifiers: ClinVar variation 909001 (VCV000909001.6), dbSNP rs113656715, ClinGen allele CA4629629.